The following is an entry in ClinVar:

NM_004415.4(DSP):c.778-9C>T

Gene: DSP (desmoplakin; plus strand). Cytogenetic location: 6p24.3.
Variant type: single nucleotide variant.
Coding change: c.778-9C>T on transcript NM_004415.4 (MANE Select); 9 bases into the intron before coding-DNA position 778, C replaced by T.
Molecular consequence: intron variant.
Genome position (GRCh38, 1-based): chr6:7,565,350, C>T. VCF-style: chr6-7565350-C-T. GRCh37 (hg19) VCF-style: chr6-7565583-C-T.
Other names: p.?; c.778-9C>T (NM_001319034.2, NM_001008844.3).
Identifiers: ClinVar variation 1332556 (VCV001332556.11), dbSNP rs773949949, ClinGen allele CA050867.

ClinVar aggregate classification (germline): Likely benign. Review status: criteria provided, multiple submitters, no conflicts (2 of 4 stars). 3 submissions from 3 submitters: Likely benign (3). Last evaluated 2025-10-01.

Conditions:
Arrhythmogenic cardiomyopathy with wooly hair and keratoderma. Also called: Carvajal syndrome; Dilated cardiomyopathy with woolly hair and keratoderma; Arrhythmogenic cardiomyopathy with woolly hair and keratoderma; PALMOPLANTAR KERATODERMA WITH LEFT VENTRICULAR CARDIOMYOPATHY AND WOOLLY HAIR. Identifiers: Orphanet 65282, MedGen C1854063, MONDO:0011581, OMIM 605676.
Arrhythmogenic right ventricular dysplasia 8 (ARVD8). Also called: Arrhythmogenic Right Ventricular Dysplasia/Cardiomyopathy 8; ARRHYTHMOGENIC RIGHT VENTRICULAR DYSPLASIA, FAMILIAL, 8; ARRHYTHMOGENIC RIGHT VENTRICULAR CARDIOMYOPATHY 8. Identifiers: MedGen C1843896, MONDO:0011831, OMIM 607450.
Cardiomyopathy (CMYO). Also called: Cardiomyopathies. Identifiers: Orphanet 167848, MedGen C0878544, MONDO:0004994, HP:0001638. Inheritance: Various modes of inheritance.

Allele frequency attached by ClinVar (database versions not stated): gnomAD exomes below 0.00001; TOPMed below 0.00001; ExAC 0.00001; gnomAD 0.00001.
gnomAD v4.1: 38 of 1,613,848 alleles (0.0024%); highest among the groups gnomAD compares: Non-Finnish European, 0.0031%; no homozygotes.

Submissions (3):

Labcorp Genetics (formerly Invitae), Labcorp
Classification: Likely benign for Arrhythmogenic cardiomyopathy with wooly hair and keratoderma; Arrhythmogenic right ventricular dysplasia 8. Last evaluated: 2025-10-01. Review status: criteria provided, single submitter. Criteria: Invitae Variant Classification Sherloc (09022015). Collection method: clinical testing. Allele origin: germline.

Mayo Clinic Laboratories, Mayo Clinic
Classification: Likely benign. Last evaluated: 2025-04-11. Review status: criteria provided, single submitter. Criteria: ACMG Guidelines, 2015. Collection method: clinical testing. Allele origin: germline. Observed: 1 variant allele.
Comment: BP4, BP7

Color Diagnostics, LLC DBA Color Health
Classification: Likely benign for Cardiomyopathy. Last evaluated: 2021-07-26. Review status: criteria provided, single submitter. Criteria: ACMG Guidelines, 2015. Collection method: clinical testing. Allele origin: germline.